The following is an entry in ClinVar:

NM_001318789.2(TLR2):c.1200A>G (p.Ala400=)

Gene: TLR2 (toll like receptor 2; plus strand). Cytogenetic location: 4q31.3.
Variant type: single nucleotide variant.
Coding change: c.1200A>G on transcript NM_001318789.2 (MANE Select); coding-DNA position 1200, A replaced by G.
Protein change: p.Ala400=; no amino-acid change (alanine 400 retained).
Molecular consequence: synonymous variant.
Genome position (GRCh38, 1-based): chr4:153,704,107, A>G. VCF-style: chr4-153704107-A-G. GRCh37 (hg19) VCF-style: chr4-154625259-A-G.
Other names: c.1200A>G, p.Ala400= (NM_001318787.2, NM_001318790.2, NM_001318791.2 and 4 more transcripts).
Identifiers: ClinVar variation 3035354 (VCV003035354.2), dbSNP rs144038898, ClinGen allele CA3110848.
Genomic context (GRCh38, chr4:153,704,107, plus strand): 5'-AGCCTGTGAGGATGCCTGGCCCTCTCTACAAACTTTAATTTTAAGGCAAAATCATTTGGC[A>G]TCATTGGAAAAAACCGGAGAGACTTTGCTCACTCTGAAAAACTTGACTAACATTGATATC-3'
Protein context (NP_001305718.1, residues 390-410): QTLILRQNHL[Ala400=]SLEKTGETLL

ClinVar aggregate classification (germline): Benign (0 of 4 stars; one submission).

Conditions:
TLR2-related disorder. Also called: TLR2-related condition.

Allele frequency attached by ClinVar (database versions not stated): gnomAD exomes 0.00012; gnomAD 0.00018; TOPMed 0.00028; ExAC 0.00041; 1000 Genomes Project 30x 0.00094; 1000 Genomes Project 0.00120.
gnomAD v4.1: 207 of 1,614,110 alleles (0.013%); highest among the groups gnomAD compares: East Asian, 0.43%; 2 homozygotes.

Submission:

PreventionGenetics, part of Exact Sciences
Classification: Benign for TLR2-related condition. Last evaluated: 2019-08-09. Review status: no assertion criteria provided. Collection method: clinical testing. Allele origin: germline.
Comment: This variant is classified as benign based on ACMG/AMP sequence variant interpretation guidelines (Richards et al. 2015 PMID: 25741868, with internal and published modifications).